The following is an entry in ClinVar:

ClinVar aggregate classification (germline): Pathogenic. Review status: criteria provided, multiple submitters, no conflicts (2 of 4 stars). 3 submissions from 3 submitters: Pathogenic (2). 1 of the submissions does not count toward it. Last evaluated 2026-01-19.

Conditions:
Cone-rod dystrophy 2 (CORD2). Also called: CONE-ROD RETINAL DYSTROPHY; Cone-rod retinal dystrophy 2. Identifiers: Orphanet 1872, MedGen C3489532, MONDO:0007362, OMIM 120970.
Leber congenital amaurosis 7 (LCA7). Identifiers: Orphanet 65, MedGen C3151192, MONDO:0013449, OMIM 613829.
Cone-rod dystrophy. Also called: Cone/cone-rod dystrophy; Cone-rod degeneration. Identifiers: Orphanet 1872, MedGen C4085590, MONDO:0015993, HP:0000548.

Allele frequency attached by ClinVar (database versions not stated): gnomAD 0.00001.
gnomAD v4.1: 6 of 1,614,144 alleles (0.00037%); highest among the groups gnomAD compares: East Asian, 0.0022%; no homozygotes.

Submissions (3):

Labcorp Genetics (formerly Invitae), Labcorp
Classification: Pathogenic for Cone-rod dystrophy 2; Leber congenital amaurosis 7. Last evaluated: 2026-01-19. Review status: criteria provided, single submitter. Criteria: Invitae Variant Classification Sherloc (09022015). Collection method: clinical testing. Allele origin: germline.
Comment: This sequence change replaces arginine, which is basic and polar, with cysteine, which is neutral and slightly polar, at codon 43 of the CRX protein (p.Arg43Cys). This variant is not present in population databases (gnomAD no frequency). This missense change has been observed in individuals with autosomal dominant cone-rod dystrophy (PMID: 26992781, 30718709, 31626798, 32533067). ClinVar contains an entry for this variant (Variation ID: 636019). Invitae Evidence Modeling of protein sequence and biophysical properties (such as structural, functional, and spatial information, amino acid conservation, physicochemical variation, residue mobility, and thermodynamic stability) indicates that this missense variant is expected to disrupt CRX protein function with a positive predictive value of 95%. This variant disrupts the p.Arg43 amino acid residue in CRX. Other variant(s) that disrupt this residue have been observed in individuals with CRX-related conditions (PMID: 31626798), which suggests that this may be a clinically significant amino acid residue. For these reasons, this variant has been classified as Pathogenic.

Medical Genetics Laboratory, Niloo Shiraz Laboratory
Classification: Pathogenic for Cone-rod dystrophy 2. Review status: criteria provided, single submitter. Criteria: ACMG Guidelines, 2015. Collection method: clinical testing. Allele origin: germline. Inheritance: Autosomal recessive inheritance. Affected: yes.
Comment: We identified two unrelated patients harboring a homozygous c.C127T (p.R43C) mutation in the CRX gene. Both patients presented with early infancy onset of nystagmus and cone-rod dystrophy. Their parents, who are clinically normal, suggest an autosomal recessive inheritance in these cases. Notably, these patients come from distinct geographical regions. According to the gnomAD exome database, the c.C127T variant has five reported heterozygous alleles, indicating its rarity in the general population. Previous studies (PMID: 26992781; PMID: 32533067; PMID: 32112665) have described this mutation as causing disease in an autosomal dominant manner. However, our observations support an autosomal recessive inheritance pattern.

Department of Clinical Genetics, Copenhagen University Hospital, Rigshospitalet
Classification: Likely pathogenic for Cone-rod dystrophy. Last evaluated: 2018-04-01. Review status: no assertion criteria provided. Collection method: research. Allele origin: unknown. Affected: yes. Study: VeluxRD. Not counted in ClinVar's aggregate classification.

Literature cited by the submitters: PubMed 26992781 (cited by Labcorp Genetics (formerly Invitae), Labcorp and Medical Genetics Laboratory, Niloo Shiraz Laboratory); PubMed 30718709 (cited by Labcorp Genetics (formerly Invitae), Labcorp and Department of Clinical Genetics, Copenhagen University Hospital, Rigshospitalet); PubMed 31626798 (cited by Labcorp Genetics (formerly Invitae), Labcorp); PubMed 32533067 (cited by Labcorp Genetics (formerly Invitae), Labcorp and Medical Genetics Laboratory, Niloo Shiraz Laboratory); PubMed 32112665 (cited by Medical Genetics Laboratory, Niloo Shiraz Laboratory).

NM_000554.6(CRX):c.127C>T (p.Arg43Cys)

Gene: CRX (cone-rod homeobox; plus strand). Cytogenetic location: 19q13.33.
Variant type: single nucleotide variant.
Coding change: c.127C>T on transcript NM_000554.6 (MANE Select); coding-DNA position 127, C replaced by T.
Protein change: p.Arg43Cys; replaces arginine 43 with cysteine.
Molecular consequence: missense variant.
Genome position (GRCh38, 1-based): chr19:47,836,269, C>T. VCF-style: chr19-47836269-C-T. GRCh37 (hg19) VCF-style: chr19-48339526-C-T.
Other names: short protein forms R43C.
Identifiers: ClinVar variation 636019 (VCV000636019.8), dbSNP rs1437021651, ClinGen allele CA406629451.